The following is an entry in ClinVar:

ClinVar aggregate classification (germline): Uncertain significance (0 of 4 stars; one submission).

Conditions:
RFX6-related disorder. Also called: RFX6-related condition.

Submission:

PreventionGenetics, part of Exact Sciences
Classification: Uncertain significance for RFX6-related condition. Last evaluated: 2024-09-28. Review status: no assertion criteria provided. Collection method: clinical testing. Allele origin: germline.
Comment: The RFX6 c.2510T>G variant is predicted to result in the amino acid substitution p.Ile837Ser. To our knowledge, this variant has not been reported in the literature or in a large population database, indicating this variant is rare. At this time, the clinical significance of this variant is uncertain due to the absence of conclusive functional and genetic evidence.

NM_173560.4(RFX6):c.2510T>G (p.Ile837Ser)

Gene: RFX6 (regulatory factor X6; plus strand). Cytogenetic location: 6q22.1.
Variant type: single nucleotide variant.
Coding change: c.2510T>G on transcript NM_173560.4 (MANE Select); coding-DNA position 2510, T replaced by G.
Protein change: p.Ile837Ser; replaces isoleucine 837 with serine.
Molecular consequence: missense variant.
Genome position (GRCh38, 1-based): chr6:116,928,870, T>G. VCF-style: chr6-116928870-T-G. GRCh37 (hg19) VCF-style: chr6-117250033-T-G.
Other names: short protein forms I837S.
Identifiers: ClinVar variation 3347077 (VCV003347077.1).